The following is an entry in ClinVar:

NM_001282531.3(ADNP):c.1789G>A (p.Val597Ile)

Gene: ADNP (activity dependent neuroprotector homeobox; minus strand). Cytogenetic location: 20q13.13.
Variant type: single nucleotide variant.
Coding change: c.1789G>A on transcript NM_001282531.3 (MANE Select); coding-DNA position 1789, G replaced by A.
Protein change: p.Val597Ile; replaces valine 597 with isoleucine.
Molecular consequence: missense variant.
Genome position (GRCh38, 1-based): chr20:50,892,925, C>T on the plus strand (G>A on the coding strand, the complement: ADNP is on the minus strand). VCF-style: chr20-50892925-C-T. GRCh37 (hg19) VCF-style: chr20-49509462-C-T.
Other names: c.1789G>A, p.Val597Ile (NM_001282532.2, NM_001347511.2, NM_015339.5 and 1 more transcripts); c.1789G>A (NM_015339.2); short protein forms V597I.
Identifiers: ClinVar variation 1973690 (VCV001973690.6), dbSNP rs774310435, ClinGen allele CA9908682.

ClinVar aggregate classification (germline): Uncertain significance. Review status: criteria provided, multiple submitters, no conflicts (2 of 4 stars). 2 submissions from 2 submitters: Uncertain significance (2). Last evaluated 2025-08-27.

Conditions:
Inborn genetic diseases. Identifiers: MedGen C0950123, MeSH D030342.

Allele frequency attached by ClinVar (database versions not stated): ExAC 0.00001; gnomAD 0.00001; TOPMed 0.00001.
gnomAD v4.1: 8 of 1,614,092 alleles (0.0005%); highest among the groups gnomAD compares: Non-Finnish European, 0.00068%; no homozygotes.

Submissions (2):

Ambry Genetics
Classification: Uncertain significance for Inborn genetic diseases. Last evaluated: 2025-08-27. Review status: criteria provided, single submitter. Criteria: Ambry Variant Classification Scheme 2023. Collection method: clinical testing. Allele origin: germline.

Labcorp Genetics (formerly Invitae), Labcorp
Classification: Uncertain significance. Last evaluated: 2024-07-19. Review status: criteria provided, single submitter. Criteria: Invitae Variant Classification Sherloc (09022015). Collection method: clinical testing. Allele origin: germline.
Comment: This sequence change replaces valine, which is neutral and non-polar, with isoleucine, which is neutral and non-polar, at codon 597 of the ADNP protein (p.Val597Ile). This variant is present in population databases (rs774310435, gnomAD 0.0009%). This variant has not been reported in the literature in individuals affected with ADNP-related conditions. ClinVar contains an entry for this variant (Variation ID: 1973690). An algorithm developed to predict the effect of missense changes on protein structure and function outputs the following: PolyPhen-2: "Benign". The isoleucine amino acid residue is found in multiple mammalian species, which suggests that this missense change does not adversely affect protein function. In summary, the available evidence is currently insufficient to determine the role of this variant in disease. Therefore, it has been classified as a Variant of Uncertain Significance.